The following is an entry in ClinVar:

NM_001130438.3(SPTAN1):c.4491+289G>A

Gene: SPTAN1 (spectrin alpha, non-erythrocytic 1; plus strand). Cytogenetic location: 9q34.11.
Variant type: single nucleotide variant.
Coding change: c.4491+289G>A on transcript NM_001130438.3 (MANE Select); 289 bases into the intron after coding-DNA position 4491, G replaced by A.
Molecular consequence: intron variant.
Genome position (GRCh38, 1-based): chr9:128,608,565, G>A. VCF-style: chr9-128608565-G-A. GRCh37 (hg19) VCF-style: chr9-131370844-G-A.
Other names: c.4491+289G>A (NM_001363759.2, NM_003127.4); c.4431+289G>A (NM_001363765.2, NM_001195532.2).
Identifiers: ClinVar variation 668594 (VCV000668594.1), dbSNP rs77315490, ClinGen allele CA200396416.

ClinVar aggregate classification (germline): Benign (1 of 4 stars; one submission).

Allele frequency attached by ClinVar (database versions not stated): 1000 Genomes Project 0.02137; 1000 Genomes Project 30x 0.02186; gnomAD 0.02330 and 0.02518; TOPMed 0.02698.
gnomAD v4.1: 3,506 of 152,194 alleles (2.3%); highest among the groups gnomAD compares: African/African-American, 8%; 137 homozygotes.

Submission:

GeneDx
Classification: Benign. Last evaluated: 2018-06-14. Review status: criteria provided, single submitter. Criteria: GeneDx Variant Classification (06012015). Collection method: clinical testing. Allele origin: germline. Affected: yes.
Comment: This variant is considered likely benign or benign based on one or more of the following criteria: it is a conservative change, it occurs at a poorly conserved position in the protein, it is predicted to be benign by multiple in silico algorithms, and/or has population frequency not consistent with disease.